The following is an entry in ClinVar:

NM_000268.4(NF2):c.586C>T (p.Arg196Ter)

Gene: NF2 (NF2, moesin-ezrin-radixin like (MERLIN) tumor suppressor; plus strand). Cytogenetic location: 22q12.2.
Variant type: single nucleotide variant.
Coding change: c.586C>T on transcript NM_000268.4 (MANE Select); coding-DNA position 586, C replaced by T.
Protein change: p.Arg196Ter; replaces arginine 196 with a stop codon.
Molecular consequence: nonsense. On other transcripts: non-coding transcript variant (1), intron variant (1).
Genome position (GRCh38, 1-based): chr22:29,655,663, C>T. VCF-style: chr22-29655663-C-T. GRCh37 (hg19) VCF-style: chr22-30051652-C-T.
Other names: c.586C>T, p.Arg196Ter (NM_016418.5, NM_181825.3, NM_181832.3); c.460C>T, p.Arg154Ter (NM_181828.3); c.463C>T, p.Arg155Ter (NM_181829.3); c.337C>T, p.Arg113Ter (NM_181830.3, NM_181831.3); c.447+13378C>T (NM_181833.3); short protein forms R196*, R113*, R154*, R155*.
Identifiers: ClinVar variation 457921 (VCV000457921.23), dbSNP rs1555993336, ClinGen allele CA411142679.

ClinVar aggregate classification (germline): Pathogenic. Review status: criteria provided, multiple submitters, no conflicts (2 of 4 stars). 10 submissions from 10 submitters: Pathogenic (10). Last evaluated 2025-11-24.

Conditions:
Familial meningioma. Also called: Meningioma, familial, susceptibility to. Identifiers: Orphanet 263662, MedGen C3551915, MONDO:0011789, OMIM 607174.
Neurofibromatosis, type 2 (SWNV). Also called: SCHWANNOMATOSIS, VESTIBULAR; NF2-Related Schwannomatosis; BILATERAL ACOUSTIC NEUROFIBROMATOSIS. Identifiers: Orphanet 637, MedGen C0027832, MONDO:0007039, OMIM 101000. Disease mechanism: loss of function.
Hereditary cancer-predisposing syndrome. Also called: Hereditary neoplastic syndrome; Neoplastic Syndromes, Hereditary; Hereditary Cancer Syndrome; Tumor predisposition. Identifiers: Orphanet 140162, MedGen C0027672, MeSH D009386, MONDO:0015356.

Submissions (10):

Labcorp Genetics (formerly Invitae), Labcorp
Classification: Pathogenic for Neurofibromatosis, type 2. Last evaluated: 2025-11-24. Review status: criteria provided, single submitter. Criteria: Invitae Variant Classification Sherloc (09022015). Collection method: clinical testing. Allele origin: germline.
Comment: This sequence change creates a premature translational stop signal (p.Arg196*) in the NF2 gene. It is expected to result in an absent or disrupted protein product. Loss-of-function variants in NF2 are known to be pathogenic (PMID: 9643284, 16983642). This variant is not present in population databases (gnomAD no frequency). This premature translational stop signal has been observed in individual(s) with neurofibromatosis type 2 (PMID: 7759081, 8797533, 11085592, 18033041). Invitae Evidence Modeling of clinical and family history, age, sex, and reported ancestry of multiple individuals with this NF2 variant has been performed. This variant is expected to be pathogenic with a positive predictive value of at least 99%. This is a validated machine learning model that incorporates the clinical features of 14,809 individuals referred to our laboratory for NF2 testing. ClinVar contains an entry for this variant (Variation ID: 457921). For these reasons, this variant has been classified as Pathogenic.

3billion
Classification: Pathogenic for Neurofibromatosis, type 2. Last evaluated: 2025-07-02. Review status: criteria provided, single submitter. Criteria: ACMG Guidelines, 2015. Collection method: clinical testing. Allele origin: germline. Affected: yes.
Comment: The variant is not observed in the gnomAD v4.1.0 dataset. Predicted Consequence/Location: Stop-gained (nonsense): predicted to result in a loss or disruption of normal protein function through nonsense-mediated decay (NMD) or protein truncation. Multiple pathogenic variants are reported downstream of the variant. The variant has been observed in multiple (>3) similarly affected unrelated individuals (PMID: 11085592, 18033041, 7759081, 8797533). The variant has been reported at least twice as pathogenic with clinical assertions and evidence for the classification (ClinVar ID: VCV000457921 /PMID: 7759081 /3billion dataset). Therefore, this variant is classified as Pathogenic according to the recommendation of ACMG/AMP guideline.

Genome-Nilou Lab
Classification: Pathogenic for Neurofibromatosis, type 2. Last evaluated: 2021-11-07. Review status: criteria provided, single submitter. Criteria: ACMG Guidelines, 2015. Collection method: clinical testing. Allele origin: germline. Affected: no.

Ambry Genetics
Classification: Pathogenic for Hereditary cancer-predisposing syndrome. Last evaluated: 2021-04-13. Review status: criteria provided, single submitter. Criteria: Ambry Variant Classification Scheme 2023. Collection method: clinical testing. Allele origin: germline.
Comment: The p.R196* pathogenic mutation (also known as c.586C>T), located in coding exon 6 of the NF2 gene, results from a C to T substitution at nucleotide position 586. This changes the amino acid from an arginine to a stop codon within coding exon 6. This alteration has been reported in numerous individuals with a clinical diagnosis of neurofibromatosis type 2 (Bourn D et al. Hum Genet. 1995 May;95:572-4; MacCollin M et al. Ann Neurol. 1996 Sep;40:440-5; Kluwe L et al. Neurogenetics. 2000 Sep;3:17-24; Evans DG et al. J Neurosurg. 2008 Jan;108:92-6; Plotkin SR et al. J Neurosurg Spine. 2011 Apr;14:543-7; Bonne N- et al. Childs Nerv Syst. 2016 Dec;32:2403-2413; Caltabiano R et al. Childs Nerv Syst. 2017 Jun;33:933-940; Waisberg V et al. Graefes Arch Clin Exp Ophthalmol. 2019 Jul;257:1453-1458). In addition to the clinical data presented in the literature, this alteration is expected to result in loss of function by premature protein truncation or nonsense-mediated mRNA decay. As such, this alteration is interpreted as a disease-causing mutation.

Athena Diagnostics
Classification: Pathogenic. Last evaluated: 2020-06-02. Review status: criteria provided, single submitter. Criteria: Athena Diagnostics Criteria. Collection method: clinical testing. Allele origin: unknown.
Comment: The variant creates a premature nonsense codon, and is therefore predicted to result in the loss of a functional protein. Found in at least one patient with expected phenotype for this gene, and not found in general population data.

Genetics and Molecular Pathology, SA Pathology
Classification: Pathogenic for Neurofibromatosis, type 2. Last evaluated: 2019-07-31. Review status: criteria provided, single submitter. Criteria: ACMG Guidelines, 2015. Collection method: clinical testing. Allele origin: germline. Inheritance: Autosomal dominant inheritance. Affected: yes.

Mendelics
Classification: Pathogenic for Neurofibromatosis, type 2. Last evaluated: 2019-05-28. Review status: criteria provided, single submitter. Criteria: Mendelics Assertion Criteria 2017. Collection method: clinical testing. Allele origin: unknown.

GeneDx
Classification: Pathogenic. Last evaluated: 2018-11-07. Review status: criteria provided, single submitter. Criteria: GeneDx Variant Classification (06012015). Collection method: clinical testing. Allele origin: germline. Affected: yes.
Comment: The R196X nonsense variant in the NF2 gene has been reported previously in individuals diagnosed with or suspicious for neurofibromatosis type 2 (Joachim et al., 2001; Caltabiano et al., 2017). This pathogenic variant is predicted to cause loss of normal protein function either through protein truncation or nonsense-mediated mRNA decay. The R196X variant is not observed in large population cohorts (Lek et al., 2016). Based on currently available evidence, we consider R196X to be pathogenic.

Women's Health and Genetics/Laboratory Corporation of America, LabCorp
Classification: Pathogenic for Neurofibromatosis, type 2. Last evaluated: 2018-07-03. Review status: criteria provided, single submitter. Criteria: LabCorp Variant Classification Summary - May 2015. Collection method: clinical testing. Allele origin: germline.
Comment: Variant summary: NF2 c.586C>T (p.Arg196X) results in a premature termination codon, predicted to cause a truncation of the encoded protein or absence of the protein due to nonsense mediated decay, which are commonly known mechanisms for disease. The variant was absent in 246252 control chromosomes (gnomAD). The variant, c.586C>T, has been reported in the literature in multiple individuals affected with Neurofibromatosis Type 2 (Bonne_2016, Bourn_1995, Evans_1998). These data indicate that the variant is very likely to be associated with disease. To our knowledge, no experimental evidence demonstrating an impact on protein function has been reported. Two ClinVar submissions from clinical diagnostic laboratories (evaluation after 2014) cite the variant as "pathogenic." Based on the evidence outlined above, the variant was classified as pathogenic.

Juno Genomics, Hangzhou Juno Genomics, Inc
Classification: Pathogenic for Neurofibromatosis, type 2; Familial meningioma. Review status: criteria provided, single submitter. Criteria: ACMG Guidelines, 2015. Collection method: clinical testing. Allele origin: germline. Affected: yes.
Comment: Absent from controls (or at extremely low frequency if recessive) in Genome Aggregation Database.;Null variant in a gene where loss of function (LOF) is a known mechanism of disease.;The prevalence of the variant in affected individuals is significantly increased compared to the prevalence in controls.;Patient's phenotype or family history is highly specific for a disease with a single genetic etiology.

Literature cited by the submitters: PubMed 9643284 (cited by Labcorp Genetics (formerly Invitae), Labcorp); PubMed 16983642 (cited by Labcorp Genetics (formerly Invitae), Labcorp); PubMed 7759081 (cited by 5 submitters); PubMed 8797533 (cited by 4 submitters); PubMed 11085592 (cited by 4 submitters); PubMed 18033041 (cited by Labcorp Genetics (formerly Invitae), Labcorp and 3billion); PubMed 18173316 (cited by Ambry Genetics and Women's Health and Genetics/Laboratory Corporation of America, LabCorp); PubMed 21294614 (cited by Ambry Genetics); PubMed 27704245 (cited by 3 submitters); PubMed 28365909 (cited by Ambry Genetics); PubMed 31089872 (cited by Ambry Genetics and Athena Diagnostics); PubMed 12566519 (cited by Athena Diagnostics); PubMed 12807969 (cited by Athena Diagnostics).